The following is an entry in ClinVar:

NM_024408.4(NOTCH2):c.6179G>A (p.Arg2060His)

Gene: NOTCH2 (notch receptor 2; minus strand). Cytogenetic location: 1p12.
Variant type: single nucleotide variant.
Coding change: c.6179G>A on transcript NM_024408.4 (MANE Select); coding-DNA position 6179, G replaced by A.
Protein change: p.Arg2060His; replaces arginine 2060 with histidine.
Molecular consequence: missense variant.
Genome position (GRCh38, 1-based): chr1:119,916,543, C>T on the plus strand (G>A on the coding strand, the complement: NOTCH2 is on the minus strand). VCF-style: chr1-119916543-C-T. GRCh37 (hg19) VCF-style: chr1-120459166-C-T.
Other names: short protein forms R2060H.
Identifiers: ClinVar variation 2048605 (VCV002048605.7), dbSNP rs113023165, ClinGen allele CA1039468.
Genomic context (GRCh38, chr1:119,916,543, plus strand): 5'-AGAGCAGAAGTCAACACGGTGCCTGGAGGGCTTGGGGTCACATTGTATTCATCCAGAAGG[C>T]GCACAATGTCATGGTGCATGCGATCCCGAGCCACATCCCGGGGAAGACGATCCATATGGT-3'
Protein context (NP_077719.2, residues 2050-2070): ARDRMHHDIV[Arg2060His]LLDEYNVTPS

ClinVar aggregate classification (germline): Uncertain significance. Review status: criteria provided, multiple submitters, no conflicts (2 of 4 stars). 3 submissions from 3 submitters: Uncertain significance (3). Last evaluated 2025-12-22.

Conditions:
Hajdu-Cheney syndrome (HJCYS). Also called: ACROOSTEOLYSIS WITH OSTEOPOROSIS AND CHANGES IN SKULL AND MANDIBLE; Acroosteolysis dominant type; SERPENTINE FIBULA-POLYCYSTIC KIDNEY SYNDROME. Identifiers: Orphanet 955, MedGen C0917715, MONDO:0007057, OMIM 102500.
Alagille syndrome due to a NOTCH2 point mutation. Also called: Alagille syndrome 2. Identifiers: Orphanet 261629, Orphanet 52, MedGen C1857761, MONDO:0012439, OMIM 610205.

Allele frequency attached by ClinVar (database versions not stated): ExAC 0.00002; gnomAD exomes 0.00003; TOPMed 0.00003; gnomAD 0.00004.
gnomAD v4.1: 46 of 1,613,798 alleles (0.0029%); highest among the groups gnomAD compares: African/African-American, 0.008%; no homozygotes.

Submissions (3):

Labcorp Genetics (formerly Invitae), Labcorp
Classification: Uncertain significance for Hajdu-Cheney syndrome. Last evaluated: 2025-12-22. Review status: criteria provided, single submitter. Criteria: Invitae Variant Classification Sherloc (09022015). Collection method: clinical testing. Allele origin: germline.
Comment: This sequence change replaces arginine, which is basic and polar, with histidine, which is basic and polar, at codon 2060 of the NOTCH2 protein (p.Arg2060His). This variant is present in population databases (rs113023165, gnomAD 0.006%). This variant has not been reported in the literature in individuals affected with NOTCH2-related conditions. ClinVar contains an entry for this variant (Variation ID: 2048605). Invitae Evidence Modeling of protein sequence and biophysical properties (such as structural, functional, and spatial information, amino acid conservation, physicochemical variation, residue mobility, and thermodynamic stability) indicates that this missense variant is not expected to disrupt NOTCH2 protein function with a negative predictive value of 80%. In summary, the available evidence is currently insufficient to determine the role of this variant in disease. Therefore, it has been classified as a Variant of Uncertain Significance.

Fulgent Genetics
Classification: Uncertain significance for Hajdu-Cheney syndrome; Alagille syndrome due to a NOTCH2 point mutation. Last evaluated: 2024-06-10. Review status: criteria provided, single submitter. Criteria: ACMG Guidelines, 2015. Collection method: clinical testing. Allele origin: germline.

Centre of Medical Genetics, University Hospital Muenster
Classification: Uncertain significance. Last evaluated: 2023-03-22. Review status: criteria provided, single submitter. Criteria: ACMG Guidelines, 2015. Collection method: clinical testing. Allele origin: unknown. Affected: yes. Observed: 1 variant allele, 1 heterozygote.
Comment: ACMG categories: PM1,PM2,PP3